The following is an entry in ClinVar:

ClinVar aggregate classification (germline): Uncertain significance. Review status: criteria provided, multiple submitters, no conflicts (2 of 4 stars). 4 submissions from 4 submitters: Uncertain significance (4). Last evaluated 2025-10-22.

Conditions:
DICER1-related tumor predisposition. Also called: DICER1-related pleuropulmonary blastoma cancer predisposition syndrome; DICER1 syndrome. Identifiers: Orphanet 284343, MedGen C3839822, MONDO:0100216.
Hereditary cancer-predisposing syndrome. Also called: Tumor predisposition; Neoplastic Syndromes, Hereditary; Hereditary Cancer Syndrome; Hereditary neoplastic syndrome. Identifiers: Orphanet 140162, MedGen C0027672, MeSH D009386, MONDO:0015356.

Allele frequency attached by ClinVar (database versions not stated): gnomAD exomes below 0.00001 and 0.00001; ExAC 0.00001; TOPMed 0.00003.
gnomAD v4.1: 4 of 1,612,020 alleles (0.00025%); highest among the groups gnomAD compares: African/African-American, 0.004%; no homozygotes.

Submissions (4):

Ambry Genetics
Classification: Uncertain significance for Hereditary cancer-predisposing syndrome. Last evaluated: 2025-10-22. Review status: criteria provided, single submitter. Criteria: Ambry Variant Classification Scheme 2023. Collection method: clinical testing. Allele origin: germline.
Comment: The p.R1430G variant (also known as c.4288A>G), located in coding exon 22 of the DICER1 gene, results from an A to G substitution at nucleotide position 4288. The arginine at codon 1430 is replaced by glycine, an amino acid with dissimilar properties. This amino acid position is well conserved in available vertebrate species. In addition, this alteration is predicted to be tolerated by in silico analysis. Since supporting evidence is limited at this time, the clinical significance of this alteration remains unclear.

Labcorp Genetics (formerly Invitae), Labcorp
Classification: Uncertain significance for DICER1-related tumor predisposition. Last evaluated: 2025-10-07. Review status: criteria provided, single submitter. Criteria: Invitae Variant Classification Sherloc (09022015). Collection method: clinical testing. Allele origin: germline.
Comment: This sequence change replaces arginine, which is basic and polar, with glycine, which is neutral and non-polar, at codon 1430 of the DICER1 protein (p.Arg1430Gly). This variant is present in population databases (rs771513798, gnomAD 0.01%). This missense change has been observed in individual(s) with clinical features of DICER1-related conditions (PMID: 38127826). ClinVar contains an entry for this variant (Variation ID: 477199). Invitae Evidence Modeling of protein sequence and biophysical properties (such as structural, functional, and spatial information, amino acid conservation, physicochemical variation, residue mobility, and thermodynamic stability) indicates that this missense variant is not expected to disrupt DICER1 protein function with a negative predictive value of 95%. In summary, the available evidence is currently insufficient to determine the role of this variant in disease. Therefore, it has been classified as a Variant of Uncertain Significance.

Quest Diagnostics Nichols Institute San Juan Capistrano
Classification: Uncertain significance. Last evaluated: 2024-12-31. Review status: criteria provided, single submitter. Criteria: Quest Diagnostics criteria. Collection method: clinical testing. Allele origin: unknown.
Comment: The DICER1 c.4288A>G (p.Arg1430Gly) variant has been reported in the published literature in an individual with renal cell carcinoma (PMID: 38127826 (2023)). The frequency of this variant in the general population (Genome Aggregation Database) is uninformative in the assessment of its pathogenicity. Analysis of this variant using bioinformatics tools for the prediction of the effect of amino acid changes on protein structure and function yielded predictions that this variant is benign. Based on the available information, we are unable to determine the clinical significance of this variant.

GeneDx
Classification: Uncertain significance. Last evaluated: 2024-05-09. Review status: criteria provided, single submitter. Criteria: GeneDx Variant Classification Process June 2021. Collection method: clinical testing. Allele origin: germline. Affected: yes.
Comment: Not observed at significant frequency in large population cohorts (gnomAD); In silico analysis indicates that this missense variant does not alter protein structure/function; Has not been previously published as pathogenic or benign to our knowledge

Literature cited by the submitters: PubMed 38127826 (cited by Labcorp Genetics (formerly Invitae), Labcorp and Quest Diagnostics Nichols Institute San Juan Capistrano).

NM_177438.3(DICER1):c.4288A>G (p.Arg1430Gly)

Gene: DICER1 (dicer 1, ribonuclease III; minus strand). Cytogenetic location: 14q32.13.
Variant type: single nucleotide variant.
Coding change: c.4288A>G on transcript NM_177438.3 (MANE Select); coding-DNA position 4288, A replaced by G.
Protein change: p.Arg1430Gly; replaces arginine 1430 with glycine.
Molecular consequence: missense variant.
Genome position (GRCh38, 1-based): chr14:95,096,632, T>C on the plus strand (A>G on the coding strand, the complement: DICER1 is on the minus strand). VCF-style: chr14-95096632-T-C. GRCh37 (hg19) VCF-style: chr14-95562969-T-C.
Other names: c.4288A>G, p.Arg1430Gly (NM_001195573.1, NM_001271282.3, NM_001291628.2 and 1 more transcripts); short protein forms R1430G.
Identifiers: ClinVar variation 477199 (VCV000477199.18), dbSNP rs771513798, ClinGen allele CA7330862.